The following is an entry in ClinVar:

ClinVar aggregate classification (germline): Conflicting classifications of pathogenicity. Review status: criteria provided, conflicting classifications (1 of 4 stars). 3 submissions from 3 submitters: Uncertain significance (1); Likely benign (2). Last evaluated 2026-01-01.

Conditions:
Inborn genetic diseases. Identifiers: MedGen C0950123, MeSH D030342.

Allele frequency attached by ClinVar (database versions not stated): TOPMed 0.00003; gnomAD 0.00010.
gnomAD v4.1: 118 of 1,550,694 alleles (0.0076%); highest among the groups gnomAD compares: Middle Eastern, 0.017%; no homozygotes.

Submissions (3):

CeGaT Center for Human Genetics Tuebingen
Classification: Likely benign. Last evaluated: 2026-01-01. Review status: criteria provided, single submitter. Criteria: CeGaT Center For Human Genetics Tuebingen Variant Classification Criteria Version 2. Collection method: clinical testing. Allele origin: germline. Affected: yes. Observed: 2 variant alleles.
Comment: SHANK2: BP4, BS2

Ambry Genetics
Classification: Likely benign for Inborn genetic diseases. Last evaluated: 2024-11-08. Review status: criteria provided, single submitter. Criteria: Ambry Variant Classification Scheme 2023. Collection method: clinical testing. Allele origin: germline.

Revvity Omics, Revvity
Classification: Uncertain significance. Last evaluated: 2019-03-01. Review status: criteria provided, single submitter. Criteria: ACMG Guidelines, 2015. Collection method: clinical testing. Allele origin: germline.

NM_012309.5(SHANK2):c.581C>T (p.Pro194Leu)

Gene: SHANK2 (SH3 and multiple ankyrin repeat domains 2; minus strand). Cytogenetic location: 11q13.4.
Variant type: single nucleotide variant.
Coding change: c.581C>T on transcript NM_012309.5 (MANE Select); coding-DNA position 581, C replaced by T.
Protein change: p.Pro194Leu; replaces proline 194 with leucine.
Molecular consequence: missense variant.
Genome position (GRCh38, 1-based): chr11:71,109,952, G>A on the plus strand (C>T on the coding strand, the complement: SHANK2 is on the minus strand). VCF-style: chr11-71109952-G-A. GRCh37 (hg19) VCF-style: chr11-70820998-G-A.
Other names: c.581C>T (NM_012309.4); short protein forms P194L.
Identifiers: ClinVar variation 305914 (VCV000305914.32), dbSNP rs782210973, ClinGen allele CA6162108.